The following is an entry in ClinVar:

NM_001909.5(CTSD):c.972+1G>C

Gene: CTSD (cathepsin D; minus strand). Cytogenetic location: 11p15.5.
Variant type: single nucleotide variant.
Coding change: c.972+1G>C on transcript NM_001909.5 (MANE Select); the canonical splice donor site of the intron after coding-DNA position 972, G replaced by C.
Molecular consequence: splice donor variant.
Genome position (GRCh38, 1-based): chr11:1,753,993, C>G on the plus strand (G>C on the coding strand, the complement: CTSD is on the minus strand). VCF-style: chr11-1753993-C-G. GRCh37 (hg19) VCF-style: chr11-1775223-C-G.
Identifiers: ClinVar variation 2863068 (VCV002863068.3), dbSNP rs2493816828, ClinGen allele CA379093475.
Genomic context (GRCh38, chr11:1,753,993, plus strand): 5'-AGTGGTGGCCTTGGGGCTCCCCCTGCCAGCCCCAGCCCCAGCCCCAGCCCCCGGCGCTCA[C>G]CTCGCCCTGAATCAGCGGCACGGCCCCGATGGCCTTCTGCAGCTCGCGCACCTCATCCAC-3'

ClinVar aggregate classification (germline): Likely pathogenic (1 of 4 stars; one submission).

Conditions:
Neuronal ceroid lipofuscinosis. Also called: Neuronal Ceroid Lipofuscinoses. Identifiers: Orphanet 216, Orphanet 79263, MedGen C0027877, MONDO:0016295. Disease mechanism: loss of function.

Submission:

Labcorp Genetics (formerly Invitae), Labcorp
Classification: Likely pathogenic for Neuronal ceroid lipofuscinosis. Last evaluated: 2023-05-10. Review status: criteria provided, single submitter. Criteria: Invitae Variant Classification Sherloc (09022015). Collection method: clinical testing. Allele origin: germline.
Comment: In summary, the currently available evidence indicates that the variant is pathogenic, but additional data are needed to prove that conclusively. Therefore, this variant has been classified as Likely Pathogenic. Algorithms developed to predict the effect of sequence changes on RNA splicing suggest that this variant may disrupt the consensus splice site. This variant has not been reported in the literature in individuals affected with CTSD-related conditions. This variant is not present in population databases (gnomAD no frequency). This sequence change affects a donor splice site in intron 7 of the CTSD gene. It is expected to disrupt RNA splicing. Variants that disrupt the donor or acceptor splice site typically lead to a loss of protein function (PMID: 16199547), and loss-of-function variants in CTSD are known to be pathogenic (PMID: 16670177, 26059544).

Literature cited by the submitters: PubMed 16199547; PubMed 16670177; PubMed 26059544.